The following is an entry in ClinVar:

NM_000465.4(BARD1):c.1741C>A (p.Gln581Lys)

Gene: BARD1 (BRCA1 associated RING domain 1; minus strand). Cytogenetic location: 2q35.
Variant type: single nucleotide variant.
Coding change: c.1741C>A on transcript NM_000465.4 (MANE Select); coding-DNA position 1741, C replaced by A.
Protein change: p.Gln581Lys; replaces glutamine 581 with lysine.
Molecular consequence: missense variant. On other transcripts: non-coding transcript variant (3), intron variant (1).
Genome position (GRCh38, 1-based): chr2:214,745,791, G>T on the plus strand (C>A on the coding strand, the complement: BARD1 is on the minus strand). VCF-style: chr2-214745791-G-T. GRCh37 (hg19) VCF-style: chr2-215610515-G-T.
Other names: c.1684C>A, p.Gln562Lys (NM_001282543.2); c.388C>A, p.Gln130Lys (NM_001282545.2); c.331C>A, p.Gln111Lys (NM_001282548.2); c.365-15283C>A (NM_001282549.2); short protein forms Q111K, Q581K, Q130K, Q562K.
Identifiers: ClinVar variation 1779201 (VCV001779201.2), dbSNP rs2106021020, ClinGen allele CA350453024.

ClinVar aggregate classification (germline): Uncertain significance (1 of 4 stars; one submission).

Conditions:
Hereditary cancer-predisposing syndrome. Also called: Neoplastic Syndromes, Hereditary; Tumor predisposition; Hereditary Cancer Syndrome; Hereditary neoplastic syndrome. Identifiers: Orphanet 140162, MedGen C0027672, MeSH D009386, MONDO:0015356.

Submission:

Ambry Genetics
Classification: Uncertain significance for Hereditary cancer-predisposing syndrome. Last evaluated: 2021-06-02. Review status: criteria provided, single submitter. Criteria: Ambry Variant Classification Scheme 2023. Collection method: clinical testing. Allele origin: germline.
Comment: The p.Q581K variant (also known as c.1741C>A), located in coding exon 8 of the BARD1 gene, results from a C to A substitution at nucleotide position 1741. The glutamine at codon 581 is replaced by lysine, an amino acid with similar properties. This amino acid position is highly conserved in available vertebrate species. In addition, the in silico prediction for this alteration is inconclusive. Since supporting evidence is limited at this time, the clinical significance of this alteration remains unclear.